The following is an entry in ClinVar:

ClinVar aggregate classification (germline): Uncertain significance. Review status: criteria provided, multiple submitters, no conflicts (2 of 4 stars). 2 submissions from 2 submitters: Uncertain significance (2). Last evaluated 2025-06-01.

Conditions:
Charcot-Marie-Tooth disease axonal type 2C (HMSN2C). Also called: CHARCOT-MARIE-TOOTH DISEASE, AXONAL, AUTOSOMAL DOMINANT, TYPE 2C; Charcot-Marie-Tooth Neuropathy Type 2C; Charcot-Marie-Tooth Disease Type 2, TRPV4-Related (CMT2C). Identifiers: Orphanet 99937, MedGen C1853710, MONDO:0011633, OMIM 606071.

gnomAD v4.1: 1 of 1,613,844 alleles (0.000062%); highest among the groups gnomAD compares: African/African-American, 0.0013%; no homozygotes.

Submissions (2):

CeGaT Center for Human Genetics Tuebingen
Classification: Uncertain significance. Last evaluated: 2025-06-01. Review status: criteria provided, single submitter. Criteria: CeGaT Center For Human Genetics Tuebingen Variant Classification Criteria Version 2. Collection method: clinical testing. Allele origin: germline. Affected: yes. Observed: 1 variant allele.
Comment: TRPV4: PM2:Supporting

Labcorp Genetics (formerly Invitae), Labcorp
Classification: Uncertain significance for Charcot-Marie-Tooth disease axonal type 2C. Last evaluated: 2025-02-26. Review status: criteria provided, single submitter. Criteria: Invitae Variant Classification Sherloc (09022015). Collection method: clinical testing. Allele origin: germline.
Comment: This sequence change replaces valine, which is neutral and non-polar, with phenylalanine, which is neutral and non-polar, at codon 476 of the TRPV4 protein (p.Val476Phe). This variant is not present in population databases (gnomAD no frequency). This variant has not been reported in the literature in individuals affected with TRPV4-related conditions. Invitae Evidence Modeling of protein sequence and biophysical properties (such as structural, functional, and spatial information, amino acid conservation, physicochemical variation, residue mobility, and thermodynamic stability) indicates that this missense variant is not expected to disrupt TRPV4 protein function with a negative predictive value of 95%. In summary, the available evidence is currently insufficient to determine the role of this variant in disease. Therefore, it has been classified as a Variant of Uncertain Significance.

NM_021625.5(TRPV4):c.1426G>T (p.Val476Phe)

Gene: TRPV4 (transient receptor potential cation channel subfamily V member 4; minus strand). Cytogenetic location: 12q24.11.
Variant type: single nucleotide variant.
Coding change: c.1426G>T on transcript NM_021625.5 (MANE Select); coding-DNA position 1426, G replaced by T.
Protein change: p.Val476Phe; replaces valine 476 with phenylalanine.
Molecular consequence: missense variant.
Genome position (GRCh38, 1-based): chr12:109,794,394, C>A on the plus strand (G>T on the coding strand, the complement: TRPV4 is on the minus strand). VCF-style: chr12-109794394-C-A. GRCh37 (hg19) VCF-style: chr12-110232199-C-A.
Other names: c.1324G>T, p.Val442Phe (NM_001177431.2); c.1105G>T, p.Val369Phe (NM_001177433.2); c.1246G>T, p.Val416Phe (NM_147204.3); c.1285G>T, p.Val429Phe (NM_001177428.2); short protein forms V369F, V416F, V429F, V442F, V476F.
Identifiers: ClinVar variation 3906103 (VCV003906103.11).
Genomic context (GRCh38, chr12:109,794,394, plus strand): 5'-CCTCCAGCGGCTGGTAGTAGGCGGTGAGAGTGAAGATGACCATGGCACACAGGTAGGAGA[C>A]CACGTTGATGTAGAAGGAGACGGCCCCGAACTTGCGCCACTTGTCCCGCAGCAGTTCATT-3'
Protein context (NP_067638.3, residues 466-486): FGAVSFYINV[Val476Phe]SYLCAMVIFT